The following is an entry in ClinVar:

ClinVar aggregate classification (germline): Likely benign (1 of 4 stars; one submission).

Submission:

CeGaT Center for Human Genetics Tuebingen
Classification: Likely benign. Last evaluated: 2022-10-01. Review status: criteria provided, single submitter. Criteria: CeGaT Center For Human Genetics Tuebingen Variant Classification Criteria Version 2. Collection method: clinical testing. Allele origin: germline. Affected: yes. Observed: 1 variant allele.
Comment: PRB4: BP4, BP7

NM_002723.6(PRB4):c.309C>T (p.Pro103=)

Gene: PRB4 (proline rich protein BstNI subfamily 4; minus strand). Cytogenetic location: 12p13.2.
Variant type: single nucleotide variant.
Coding change: c.309C>T on transcript NM_002723.6 (MANE Select); coding-DNA position 309, C replaced by T.
Protein change: p.Pro103=; no amino-acid change (proline 103 retained).
Molecular consequence: synonymous variant.
Genome position (GRCh38, 1-based): chr12:11,308,674, G>A on the plus strand (C>T on the coding strand, the complement: PRB4 is on the minus strand). VCF-style: chr12-11308674-G-A. GRCh37 (hg19) VCF-style: chr12-11461608-G-A.
Other names: c.309C>T, p.Pro103= (NM_001261399.3).
Identifiers: ClinVar variation 2642720 (VCV002642720.24), dbSNP rs1438540137, ClinGen allele CA478842638.